The following is an entry in ClinVar:

NM_014921.5(ADGRL1):c.3797G>A (p.Gly1266Asp)

Genes: ADGRL1 (adhesion G protein-coupled receptor L1; minus strand), ADGRL1-AS1 (ADGRL1 antisense RNA 1; plus strand). Cytogenetic location: 19p13.12.
Variant type: single nucleotide variant.
Coding change: c.3797G>A on transcript NM_014921.5 (MANE Select); coding-DNA position 3797, G replaced by A.
Protein change: p.Gly1266Asp; replaces glycine 1266 with aspartic acid.
Molecular consequence: missense variant.
Genome position (GRCh38, 1-based): chr19:14,151,486, C>T on the plus strand (G>A on the coding strand, the complement: ADGRL1 is on the minus strand). VCF-style: chr19-14151486-C-T. GRCh37 (hg19) VCF-style: chr19-14262298-C-T.
Other names: c.3812G>A, p.Gly1271Asp (NM_001008701.3); short protein forms G1266D, G1271D.
Identifiers: ClinVar variation 4891461 (VCV004891461.1).

ClinVar aggregate classification (germline): Uncertain significance (1 of 4 stars; one submission).

gnomAD v4.1: 1 of 1,611,864 alleles (0.000062%); highest among the groups gnomAD compares: Non-Finnish European, 0.000085%; no homozygotes.

Submission:

GeneDx
Classification: Uncertain significance. Last evaluated: 2024-02-15. Review status: criteria provided, single submitter. Criteria: GeneDx Variant Classification Process June 2021. Collection method: clinical testing. Allele origin: germline.
Comment: Not observed at significant frequency in large population cohorts (gnomAD); In silico analysis supports that this missense variant has a deleterious effect on protein structure/function; Has not been previously published as pathogenic or benign to our knowledge; Variants in candidate genes are classified as variants of uncertain significance in accordance with ACMG guidelines (PMID: 25741868)